The following is an entry in ClinVar:

ClinVar aggregate classification (germline): Uncertain significance (1 of 4 stars; one submission).

Submission:

GeneDx
Classification: Uncertain significance. Last evaluated: 2025-01-17. Review status: criteria provided, single submitter. Criteria: GeneDx Variant Classification Process June 2021. Collection method: clinical testing. Allele origin: germline. Affected: yes.
Comment: Not observed at significant frequency in large population cohorts (gnomAD); In silico analysis supports that this missense variant has a deleterious effect on protein structure/function; Has not been previously published as pathogenic or benign to our knowledge

NM_022455.5(NSD1):c.5131T>A (p.Phe1711Ile)

Gene: NSD1 (nuclear receptor binding SET domain protein 1; plus strand). Cytogenetic location: 5q35.3.
Variant type: single nucleotide variant.
Coding change: c.5131T>A on transcript NM_022455.5 (MANE Select); coding-DNA position 5131, T replaced by A.
Protein change: p.Phe1711Ile; replaces phenylalanine 1711 with isoleucine.
Molecular consequence: missense variant.
Genome position (GRCh38, 1-based): chr5:177,260,153, T>A. VCF-style: chr5-177260153-T-A. GRCh37 (hg19) VCF-style: chr5-176687154-T-A.
Other names: c.4258T>A, p.Phe1420Ile (NM_001365684.2, NM_001409308.1, NM_001409309.1 and 1 more transcripts); c.5131T>A, p.Phe1711Ile (NM_001409301.1, NM_001409302.1, NM_001409303.1); c.4711T>A, p.Phe1571Ile (NM_001409304.1); c.4378T>A, p.Phe1460Ile (NM_001409305.1); c.4369T>A, p.Phe1457Ile (NM_001409306.1, NM_001409307.1); short protein forms F1420I, F1457I, F1460I, F1571I, F1711I.
Identifiers: ClinVar variation 4070839 (VCV004070839.1).